The following is an entry in ClinVar:

ClinVar aggregate classification (germline): Uncertain significance. Review status: criteria provided, multiple submitters, no conflicts (2 of 4 stars). 2 submissions from 2 submitters: Uncertain significance (2). Last evaluated 2023-04-21.

Conditions:
Hereditary cancer-predisposing syndrome. Also called: Hereditary neoplastic syndrome; Tumor predisposition; Neoplastic Syndromes, Hereditary; Hereditary Cancer Syndrome. Identifiers: Orphanet 140162, MedGen C0027672, MeSH D009386, MONDO:0015356.
Neuroblastoma, susceptibility to, 3. Also called: ALK-Related Neuroblastic Tumor Susceptibility. Identifiers: Orphanet 635, MedGen C2751681, MONDO:0013083, OMIM 613014.

Submissions (2):

Labcorp Genetics (formerly Invitae), Labcorp
Classification: Uncertain significance for Neuroblastoma, susceptibility to, 3. Last evaluated: 2023-04-21. Review status: criteria provided, single submitter. Criteria: Invitae Variant Classification Sherloc (09022015). Collection method: clinical testing. Allele origin: germline.
Comment: In summary, the available evidence is currently insufficient to determine the role of this variant in disease. Therefore, it has been classified as a Variant of Uncertain Significance. An algorithm developed to predict the effect of missense changes on protein structure and function (PolyPhen-2) suggests that this variant is likely to be disruptive. This variant has not been reported in the literature in individuals affected with ALK-related conditions. This variant is not present in population databases (gnomAD no frequency). This sequence change replaces arginine, which is basic and polar, with serine, which is neutral and polar, at codon 1212 of the ALK protein (p.Arg1212Ser).

Ambry Genetics
Classification: Uncertain significance for Hereditary cancer-predisposing syndrome. Last evaluated: 2023-02-17. Review status: criteria provided, single submitter. Criteria: Ambry Variant Classification Scheme 2023. Collection method: clinical testing. Allele origin: germline.
Comment: The p.R1212S variant (also known as c.3634C>A), located in coding exon 23 of the ALK gene, results from a C to A substitution at nucleotide position 3634. The arginine at codon 1212 is replaced by serine, an amino acid with dissimilar properties. This amino acid position is highly conserved in available vertebrate species. In addition, the in silico prediction for this alteration is inconclusive. Since supporting evidence is limited at this time, the clinical significance of this alteration remains unclear.

NM_004304.5(ALK):c.3634C>A (p.Arg1212Ser)

Gene: ALK (ALK receptor tyrosine kinase; minus strand). Cytogenetic location: 2p23.2.
Variant type: single nucleotide variant.
Coding change: c.3634C>A on transcript NM_004304.5 (MANE Select); coding-DNA position 3634, C replaced by A.
Protein change: p.Arg1212Ser; replaces arginine 1212 with serine.
Molecular consequence: missense variant.
Genome position (GRCh38, 1-based): chr2:29,220,717, G>T on the plus strand (C>A on the coding strand, the complement: ALK is on the minus strand). VCF-style: chr2-29220717-G-T. GRCh37 (hg19) VCF-style: chr2-29443583-G-T.
Other names: c.430C>A, p.Arg144Ser (NM_001353765.2); short protein forms R1212S, R144S.
Identifiers: ClinVar variation 2447087 (VCV002447087.5), dbSNP rs1462510005, ClinGen allele CA346472967.